The following is an entry in ClinVar:

NM_017780.4(CHD7):c.2117A>T (p.Glu706Val)

Gene: CHD7 (chromodomain helicase DNA binding protein 7; plus strand). Cytogenetic location: 8q12.2.
Variant type: single nucleotide variant.
Coding change: c.2117A>T on transcript NM_017780.4 (MANE Select); coding-DNA position 2117, A replaced by T.
Protein change: p.Glu706Val; replaces glutamic acid 706 with valine.
Molecular consequence: missense variant. On other transcripts: intron variant (1).
Genome position (GRCh38, 1-based): chr8:60,795,006, A>T. VCF-style: chr8-60795006-A-T. GRCh37 (hg19) VCF-style: chr8-61707565-A-T.
Other names: c.1716+13956A>T (NM_001316690.1); short protein forms E706V.
Identifiers: ClinVar variation 2766549 (VCV002766549.3), dbSNP rs2487633262, ClinGen allele CA371295715.

ClinVar aggregate classification (germline): Uncertain significance (1 of 4 stars; one submission).

Conditions:
CHARGE syndrome (CHARGE). Also called: Hittner Hirsch Kreh syndrome; CHARGE ASSOCIATION--COLOBOMA, HEART ANOMALY, CHOANAL ATRESIA, RETARDATION, GENITAL AND EAR ANOMALIES; Coloboma, heart anomaly, choanal atresia, retardation, genital and ear anomalies; CHARGE association; Hall-Hittner syndrome. Identifiers: Orphanet 138, MedGen C0265354, MONDO:0008965.

Submission:

Labcorp Genetics (formerly Invitae), Labcorp
Classification: Uncertain significance for CHARGE syndrome. Last evaluated: 2023-11-07. Review status: criteria provided, single submitter. Criteria: Invitae Variant Classification Sherloc (09022015). Collection method: clinical testing. Allele origin: germline.
Comment: This sequence change replaces glutamic acid, which is acidic and polar, with valine, which is neutral and non-polar, at codon 706 of the CHD7 protein (p.Glu706Val). This variant is not present in population databases (gnomAD no frequency). This variant has not been reported in the literature in individuals affected with CHD7-related conditions. Advanced modeling of protein sequence and biophysical properties (such as structural, functional, and spatial information, amino acid conservation, physicochemical variation, residue mobility, and thermodynamic stability) performed at Invitae indicates that this missense variant is not expected to disrupt CHD7 protein function with a negative predictive value of 95%. In summary, the available evidence is currently insufficient to determine the role of this variant in disease. Therefore, it has been classified as a Variant of Uncertain Significance.